The following is an entry in ClinVar:

ClinVar aggregate classification (germline): Uncertain significance. Review status: criteria provided, multiple submitters, no conflicts (2 of 4 stars). 3 submissions from 3 submitters: Uncertain significance (2). 1 of the submissions does not count toward it. Last evaluated 2022-08-07.

Conditions:
Cohen syndrome (COH1). Also called: PEPPER SYNDROME; Cutis verticis gyrata, retinitis pigmentosa, and sensorineural deafness. Identifiers: Orphanet 193, MedGen C0265223, MONDO:0008999, OMIM 216550.
VPS13B-related disorder. Also called: VPS13B-related condition.

Allele frequency attached by ClinVar (database versions not stated): gnomAD exomes 0.00003; TOPMed 0.00003; gnomAD 0.00004; ExAC 0.00005; ESP Exome Variant Server 0.00008.
gnomAD v4.1: 29 of 1,613,914 alleles (0.0018%); highest among the groups gnomAD compares: South Asian, 0.0044%; no homozygotes.

Submissions (3):

Labcorp Genetics (formerly Invitae), Labcorp
Classification: Uncertain significance for Cohen syndrome. Last evaluated: 2022-08-07. Review status: criteria provided, single submitter. Criteria: Invitae Variant Classification Sherloc (09022015). Collection method: clinical testing. Allele origin: germline.
Comment: This sequence change replaces arginine, which is basic and polar, with cysteine, which is neutral and slightly polar, at codon 1411 of the VPS13B protein (p.Arg1411Cys). This variant is present in population databases (rs376954713, gnomAD 0.008%). This variant has not been reported in the literature in individuals affected with VPS13B-related conditions. ClinVar contains an entry for this variant (Variation ID: 1370429). Algorithms developed to predict the effect of missense changes on protein structure and function output the following: SIFT: "Not Available"; PolyPhen-2: "Benign"; Align-GVGD: "Not Available". The cysteine amino acid residue is found in multiple mammalian species, which suggests that this missense change does not adversely affect protein function. In summary, the available evidence is currently insufficient to determine the role of this variant in disease. Therefore, it has been classified as a Variant of Uncertain Significance.

Breakthrough Genomics
Classification: Uncertain significance. Review status: criteria provided, single submitter. Criteria: ACMG Guidelines, 2015. Collection method: not provided. Allele origin: germline. Inheritance: Autosomal recessive inheritance. Affected: yes.

PreventionGenetics, part of Exact Sciences
Classification: Uncertain significance for VPS13B-related condition. Last evaluated: 2024-03-20. Review status: no assertion criteria provided. Collection method: clinical testing. Allele origin: germline. Not counted in ClinVar's aggregate classification.
Comment: The VPS13B c.4231C>T variant is predicted to result in the amino acid substitution p.Arg1411Cys. To our knowledge, this variant has not been reported in the literature. This variant is reported in 0.0080% of alleles in individuals of African descent in gnomAD. At this time, the clinical significance of this variant is uncertain due to the absence of conclusive functional and genetic evidence.

NM_017890.5(VPS13B):c.4231C>T (p.Arg1411Cys)

Gene: VPS13B (vacuolar protein sorting 13 homolog B; plus strand). Cytogenetic location: 8q22.2.
Variant type: single nucleotide variant.
Coding change: c.4231C>T on transcript NM_017890.5 (MANE Plus Clinical); coding-DNA position 4231, C replaced by T.
Protein change: p.Arg1411Cys; replaces arginine 1411 with cysteine.
Molecular consequence: missense variant. On other transcripts: intron variant (1).
Genome position (GRCh38, 1-based): chr8:99,507,843, C>T. VCF-style: chr8-99507843-C-T. GRCh37 (hg19) VCF-style: chr8-100520071-C-T.
Other names: c.4224+640C>T (NM_152564.5); c.4231C>T (NM_017890.4); short protein forms R1411C.
Identifiers: ClinVar variation 1370429 (VCV001370429.7), dbSNP rs376954713, ClinGen allele CA4823473.